The following is an entry in ClinVar:

NM_015192.4(PLCB1):c.3533A>G (p.Asn1178Ser)

Gene: PLCB1 (phospholipase C beta 1; plus strand). Cytogenetic location: 20p12.3.
Variant type: single nucleotide variant.
Coding change: c.3533A>G on transcript NM_015192.4 (MANE Select); coding-DNA position 3533, A replaced by G.
Protein change: p.Asn1178Ser; replaces asparagine 1178 with serine.
Molecular consequence: missense variant. On other transcripts: 3 prime UTR variant (1).
Genome position (GRCh38, 1-based): chr20:8,881,731, A>G. VCF-style: chr20-8881731-A-G. GRCh37 (hg19) VCF-style: chr20-8862378-A-G.
Other names: c.*129A>G (NM_182734.3); short protein forms N1178S.
Identifiers: ClinVar variation 487237 (VCV000487237.25), dbSNP rs200309017, ClinGen allele CA9760640.

ClinVar aggregate classification (germline): Conflicting classifications of pathogenicity. Review status: criteria provided, conflicting classifications (1 of 4 stars). 4 submissions from 4 submitters: Uncertain significance (3); Likely benign (1). Last evaluated 2024-08-01.

Conditions:
Developmental and epileptic encephalopathy, 12 (DEE12). Identifiers: MedGen C3150988, MONDO:0013389, OMIM 613722.
Inborn genetic diseases. Identifiers: MedGen C0950123, MeSH D030342.

Allele frequency attached by ClinVar (database versions not stated): gnomAD 0.00006 and 0.00007; TOPMed 0.00006; ExAC 0.00007; gnomAD exomes 0.00007 and 0.00010.
gnomAD v4.1: 114 of 1,613,944 alleles (0.0071%); highest among the groups gnomAD compares: Middle Eastern, 0.13%; 1 homozygote.

Submissions (4):

CeGaT Center for Human Genetics Tuebingen
Classification: Likely benign. Last evaluated: 2024-08-01. Review status: criteria provided, single submitter. Criteria: CeGaT Center For Human Genetics Tuebingen Variant Classification Criteria Version 2. Collection method: clinical testing. Allele origin: germline. Affected: yes. Observed: 1 variant allele.
Comment: PLCB1: BP4

Women's Health and Genetics/Laboratory Corporation of America, LabCorp
Classification: Uncertain significance. Last evaluated: 2024-05-10. Review status: criteria provided, single submitter. Criteria: LabCorp Variant Classification Summary - May 2015. Collection method: clinical testing. Allele origin: germline.
Comment: Variant summary: PLCB1 c.3533A>G (p.Asn1178Ser) results in a conservative amino acid change in the encoded protein sequence. Four of five in-silico tools predict a benign effect of the variant on protein function. The variant allele was found at a frequency of 9.6e-05 in 251234 control chromosomes. The available data on variant occurrences in the general population are insufficient to allow any conclusion about variant significance. To our knowledge, no occurrence of c.3533A>G in individuals affected with Developmental And Epileptic Encephalopathy, 12 and no experimental evidence demonstrating its impact on protein function have been reported. ClinVar contains an entry for this variant (Variation ID: 487237). Based on the evidence outlined above, the variant was classified as uncertain significance.

Labcorp Genetics (formerly Invitae), Labcorp
Classification: Uncertain significance for Developmental and epileptic encephalopathy, 12. Last evaluated: 2022-09-01. Review status: criteria provided, single submitter. Criteria: Invitae Variant Classification Sherloc (09022015). Collection method: clinical testing. Allele origin: germline.
Comment: This sequence change replaces asparagine, which is neutral and polar, with serine, which is neutral and polar, at codon 1178 of the PLCB1 protein (p.Asn1178Ser). This variant is present in population databases (rs200309017, gnomAD 0.02%). This variant has not been reported in the literature in individuals affected with PLCB1-related conditions. ClinVar contains an entry for this variant (Variation ID: 487237). Algorithms developed to predict the effect of missense changes on protein structure and function (SIFT, PolyPhen-2, Align-GVGD) all suggest that this variant is likely to be tolerated. In summary, the available evidence is currently insufficient to determine the role of this variant in disease. Therefore, it has been classified as a Variant of Uncertain Significance.

Ambry Genetics
Classification: Uncertain significance for Inborn genetic diseases. Last evaluated: 2017-08-07. Review status: criteria provided, single submitter. Criteria: Ambry Variant Classification Scheme 2023. Collection method: clinical testing. Allele origin: germline.
Comment: The p.N1178S variant (also known as c.3533A>G), located in coding exon 32 of the PLCB1 gene, results from an A to G substitution at nucleotide position 3533. The asparagine at codon 1178 is replaced by serine, an amino acid with highly similar properties. This amino acid position is not well conserved in available vertebrate species. In addition, this alteration is predicted to be benign and tolerated by PolyPhen and SIFT in silico analyses, respectively. Since supporting evidence is limited at this time, the clinical significance of this alteration remains unclear.